The following is an entry in ClinVar:

ClinVar aggregate classification (germline): Uncertain significance (1 of 4 stars; one submission).

Conditions:
Fanconi anemia (FA). Also called: Fanconi's anemia. Identifiers: Orphanet 84, MedGen C0015625, MeSH D005199, MONDO:0019391.

Allele frequency attached by ClinVar (database versions not stated): gnomAD exomes below 0.00001 and 0.00001; ExAC 0.00002; gnomAD 0.00002; TOPMed 0.00002; ESP Exome Variant Server 0.00008.
gnomAD v4.1: 12 of 1,612,834 alleles (0.00074%); highest among the groups gnomAD compares: African/African-American, 0.0013%; no homozygotes.

Submission:

Labcorp Genetics (formerly Invitae), Labcorp
Classification: Uncertain significance for Fanconi anemia. Last evaluated: 2021-08-22. Review status: criteria provided, single submitter. Criteria: Invitae Variant Classification Sherloc (09022015). Collection method: clinical testing. Allele origin: germline.
Comment: This sequence change replaces isoleucine with valine at codon 1195 of the SLX4 protein (p.Ile1195Val). The isoleucine residue is moderately conserved and there is a small physicochemical difference between isoleucine and valine. This variant is present in population databases (rs370761463, ExAC 0.003%). This variant has not been reported in the literature in individuals affected with SLX4-related conditions. Algorithms developed to predict the effect of missense changes on protein structure and function are either unavailable or do not agree on the potential impact of this missense change (SIFT: "Tolerated"; PolyPhen-2: "Probably Damaging"; Align-GVGD: "Class C0"). In summary, the available evidence is currently insufficient to determine the role of this variant in disease. Therefore, it has been classified as a Variant of Uncertain Significance.

NM_032444.4(SLX4):c.3583A>G (p.Ile1195Val)

Gene: SLX4 (SLX4 structure-specific endonuclease subunit; minus strand). Cytogenetic location: 16p13.3.
Variant type: single nucleotide variant.
Coding change: c.3583A>G on transcript NM_032444.4 (MANE Select); coding-DNA position 3583, A replaced by G.
Protein change: p.Ile1195Val; replaces isoleucine 1195 with valine.
Molecular consequence: missense variant.
Genome position (GRCh38, 1-based): chr16:3,590,055, T>C on the plus strand (A>G on the coding strand, the complement: SLX4 is on the minus strand). VCF-style: chr16-3590055-T-C. GRCh37 (hg19) VCF-style: chr16-3640056-T-C.
Other names: short protein forms I1195V.
Identifiers: ClinVar variation 1443827 (VCV001443827.3), dbSNP rs370761463, ClinGen allele CA7865896.
Genomic context (GRCh38, chr16:3,590,055, plus strand): 5'-GCAGCACAGCTTCGCTTCTTGGTGGGCTCTGGGAAGGTTCCTGATCTGCATCAACATCAA[T>C]GATGGAAAACAGCTCACAGGACCTAGGGCTAATTTCTAGAGCTTTCTTTTCTTCCAGAGG-3'
Protein context (NP_115820.2, residues 1185-1205): SPRSCELFSI[Ile1195Val]DVDADQEPSQ